The following is an entry in ClinVar:

ClinVar aggregate classification (germline): Likely benign (1 of 4 stars; one submission).

Allele frequency attached by ClinVar (database versions not stated): 1000 Genomes Project 30x 0.00016; gnomAD 0.00043; ExAC 0.00052; ESP Exome Variant Server 0.00062.
gnomAD v4.1: 544 of 1,611,880 alleles (0.034%); highest among the groups gnomAD compares: Middle Eastern, 0.058%; no homozygotes.

Submission:

CeGaT Center for Human Genetics Tuebingen
Classification: Likely benign. Last evaluated: 2024-03-01. Review status: criteria provided, single submitter. Criteria: CeGaT Center For Human Genetics Tuebingen Variant Classification Criteria Version 2. Collection method: clinical testing. Allele origin: germline. Affected: yes. Observed: 1 variant allele.
Comment: CROCC: BP4, BP7

NM_014675.5(CROCC):c.1113G>C (p.Leu371=)

Gene: CROCC (ciliary rootlet coiled-coil, rootletin; plus strand). Cytogenetic location: 1p36.13.
Variant type: single nucleotide variant.
Coding change: c.1113G>C on transcript NM_014675.5 (MANE Select); coding-DNA position 1113, G replaced by C.
Protein change: p.Leu371=; no amino-acid change (leucine 371 retained).
Molecular consequence: synonymous variant.
Genome position (GRCh38, 1-based): chr1:16,936,793, G>C. VCF-style: chr1-16936793-G-C. GRCh37 (hg19) VCF-style: chr1-17263288-G-C.
Identifiers: ClinVar variation 3067232 (VCV003067232.21), dbSNP rs142584992, ClinGen allele CA634376.